The following is an entry in ClinVar:

NM_005428.4(VAV1):c.44G>A (p.Arg15Gln)

Gene: VAV1 (vav guanine nucleotide exchange factor 1; plus strand). Cytogenetic location: 19p13.3.
Variant type: single nucleotide variant.
Coding change: c.44G>A on transcript NM_005428.4 (MANE Select); coding-DNA position 44, G replaced by A.
Protein change: p.Arg15Gln; replaces arginine 15 with glutamine.
Molecular consequence: missense variant.
Genome position (GRCh38, 1-based): chr19:6,772,851, G>A. VCF-style: chr19-6772851-G-A. GRCh37 (hg19) VCF-style: chr19-6772862-G-A.
Other names: c.44G>A, p.Arg15Gln (NM_001258206.2, NM_001258207.2); c.44G>A (NM_005428.2); short protein forms R15Q.
Identifiers: ClinVar variation 1963686 (VCV001963686.6), dbSNP rs373948131, ClinGen allele CA9132094.

ClinVar aggregate classification (germline): Uncertain significance. Review status: criteria provided, multiple submitters, no conflicts (2 of 4 stars). 2 submissions from 2 submitters: Uncertain significance (2). Last evaluated 2026-02-01.

Allele frequency attached by ClinVar (database versions not stated): TOPMed below 0.00001; ExAC 0.00001; ESP Exome Variant Server 0.00008.
gnomAD v4.1: 15 of 1,614,044 alleles (0.00093%); highest among the groups gnomAD compares: Non-Finnish European, 0.0011%; no homozygotes.

Submissions (2):

Labcorp Genetics (formerly Invitae), Labcorp
Classification: Uncertain significance. Last evaluated: 2026-02-01. Review status: criteria provided, single submitter. Criteria: Invitae Variant Classification Sherloc (09022015). Collection method: clinical testing. Allele origin: germline.
Comment: This sequence change replaces arginine, which is basic and polar, with glutamine, which is neutral and polar, at codon 15 of the VAV1 protein (p.Arg15Gln). This variant is present in population databases (rs373948131, gnomAD 0.002%). This variant has not been reported in the literature in individuals affected with VAV1-related conditions. ClinVar contains an entry for this variant (Variation ID: 1963686). An algorithm developed to predict the effect of missense changes on protein structure and function (PolyPhen-2) suggests that this variant is likely to be disruptive. Algorithms developed to predict the effect of sequence changes on RNA splicing suggest that this variant may create or strengthen a splice site. In summary, the available evidence is currently insufficient to determine the role of this variant in disease. Therefore, it has been classified as a Variant of Uncertain Significance.

Ambry Genetics
Classification: Uncertain significance. Last evaluated: 2025-06-10. Review status: criteria provided, single submitter. Criteria: Ambry Variant Classification Scheme 2023. Collection method: clinical testing. Allele origin: germline.